The following is an entry in ClinVar:

ClinVar aggregate classification (germline): Likely pathogenic. Review status: criteria provided, multiple submitters, no conflicts (2 of 4 stars). 4 submissions from 4 submitters: Likely pathogenic (4). Last evaluated 2026-01-05.

Conditions:
Cardiovascular phenotype. Identifiers: MedGen CN230736.
Dilated cardiomyopathy 1G (CMD1G). Identifiers: Orphanet 154, MedGen C1858763, MONDO:0011400, OMIM 604145.
Autosomal recessive limb-girdle muscular dystrophy type 2J (LGMDR10). Also called: Limb-girdle muscular dystrophy, type 2J; MUSCULAR DYSTROPHY, LIMB-GIRDLE, AUTOSOMAL RECESSIVE 10. Identifiers: Orphanet 140922, MedGen C1837342, MONDO:0012127, OMIM 608807.

Submissions (4):

Labcorp Genetics (formerly Invitae), Labcorp
Classification: Likely pathogenic for Dilated cardiomyopathy 1G; Autosomal recessive limb-girdle muscular dystrophy type 2J. Last evaluated: 2026-01-05. Review status: criteria provided, single submitter. Criteria: Invitae Variant Classification Sherloc (09022015). Collection method: clinical testing. Allele origin: germline.
Comment: This sequence change creates a premature translational stop signal (p.Leu32227Argfs*4) in the TTN gene. While this is not anticipated to result in nonsense mediated decay, it is expected to create a truncated TTN protein. This variant is not present in population databases (gnomAD no frequency). This variant has not been reported in the literature in individuals affected with TTN-related conditions. ClinVar contains an entry for this variant (Variation ID: 1756275). This variant is located in the A band of TTN (PMID: 25589632). Truncating variants in this region are significantly overrepresented in patients affected with dilated cardiomyopathy (PMID: 25589632). Truncating variants in this region have also been reported in individuals affected with autosomal recessive centronuclear myopathy (PMID: 23975875). In summary, the currently available evidence indicates that the variant is pathogenic, but additional data are needed to prove that conclusively. Therefore, this variant has been classified as Likely Pathogenic.

GeneDx
Classification: Likely pathogenic. Last evaluated: 2024-06-03. Review status: criteria provided, single submitter. Criteria: GeneDx Variant Classification Process June 2021. Collection method: clinical testing. Allele origin: germline. Affected: yes.
Comment: Frameshift variant predicted to result in protein truncation or nonsense mediated decay in a gene for which loss of function is a known mechanism of disease; Located in the A-band region of TTN in which the majority of loss of function variants have been associated with autosomal dominant titinopathies (PMID: 22335739); Not observed at significant frequency in large population cohorts (gnomAD); Has not been previously published as pathogenic or benign to our knowledge; This variant is associated with the following publications: (PMID: 22335739)

Ambry Genetics
Classification: Likely pathogenic for Cardiovascular phenotype. Last evaluated: 2023-08-23. Review status: criteria provided, single submitter. Criteria: Ambry Variant Classification Scheme 2023. Collection method: clinical testing. Allele origin: germline.
Comment: The c.69485_69489delTCTAC variant, located in coding exon 174 of the TTN gene, results from a deletion of 5 nucleotides at nucleotide positions 69485 to 69489, causing a translational frameshift with a predicted alternate stop codon (p.L23162Rfs*4). This exon is located in the A-band region of the N2-B isoform of the titin protein and is constitutively expressed in TTN transcripts (percent spliced in or PSI 100%). This variant is considered to be rare based on population cohorts in the Genome Aggregation Database (gnomAD). This alteration is expected to result in loss of function by premature protein truncation or nonsense-mediated mRNA decay. While truncating variants in TTN are present in 1-3% of the general population, truncating variants in the A-band are the most common cause of dilated cardiomyopathy (DCM) (Herman DS et al. N. Engl. J. Med., 2012 Feb;366:619-28; Roberts AM et al. Sci Transl Med, 2015 Jan;7:270ra6). TTN truncating variants encoded in constitutive exons (PSI >90%) have been found to be significantly associated with DCM regardless of their position in titin (Schafer S et al. Nat. Genet., 2017 01;49:46-53). As such, this alteration is classified as likely pathogenic.

Baylor Genetics
Classification: Likely pathogenic for Dilated cardiomyopathy 1G. Last evaluated: 2023-04-07. Review status: criteria provided, single submitter. Criteria: ACMG Guidelines, 2015. Collection method: clinical testing. Allele origin: unknown.

Literature cited by the submitters: PubMed 25589632 (cited by Labcorp Genetics (formerly Invitae), Labcorp); PubMed 23975875 (cited by Labcorp Genetics (formerly Invitae), Labcorp).

NM_001267550.2(TTN):c.96680_96684del (p.Leu32227fs)

Genes: TTN (titin; minus strand), TTN-AS1 (TTN antisense RNA 1; plus strand), LOC126806421 (CDK7 strongly-dependent group 2 enhancer GRCh37_chr2:179407630-179408829; plus strand). Cytogenetic location: 2q31.2.
Variant type: Deletion.
Coding change: c.96680_96684del on transcript NM_001267550.2 (MANE Select); coding-DNA positions 96680 to 96684, 5 bases deleted (TCTAC; older notation c.96680_96684delTCTAC).
Protein change: p.Leu32227fs; shifts the reading frame from leucine 32227.
Molecular consequence: frameshift variant.
Genome position (GRCh38, 1-based): chr2:178,543,289-178,543,293, GTAGA deleted on the plus strand (TCTAC on the coding strand, the reverse complement: TTN is on the minus strand); deleting any 5 consecutive bases within chr2:178,543,289-178,543,295 gives the same sequence; the c. name uses the placement nearest the transcript's 3' end. VCF-style (leftmost placement, unchanged base first): chr2-178543288-CGTAGA-C. GRCh37 (hg19) VCF-style: chr2-179408015-CGTAGA-C.
Other names: c.69485_69489delTCTAC (NM_003319.4); c.91757_91761del, p.Leu30586fs (NM_001256850.1); c.69485_69489del, p.Leu23162fs (NM_003319.4); c.88976_88980del, p.Leu29659fs (NM_133378.4); c.69860_69864del, p.Leu23287fs (NM_133432.3); c.70061_70065del, p.Leu23354fs (NM_133437.4); c.96680_96684del (NM_001267550.1); short protein forms L23162fs, L23287fs, L23354fs, L30586fs, L29659fs, L32227fs.
Identifiers: ClinVar variation 1756275 (VCV001756275.7), dbSNP rs2468927529, ClinGen allele CA2580064631.